The following is an entry in ClinVar:

NM_014140.4(SMARCAL1):c.2244+1G>A

Gene: SMARCAL1 (SNF2 related chromatin remodeling annealing helicase 1; plus strand). Cytogenetic location: 2q35.
Variant type: single nucleotide variant.
Coding change: c.2244+1G>A on transcript NM_014140.4 (MANE Select); the canonical splice donor site of the intron after coding-DNA position 2244, G replaced by A.
Molecular consequence: splice donor variant.
Genome position (GRCh38, 1-based): chr2:216,468,047, G>A. VCF-style: chr2-216468047-G-A. GRCh37 (hg19) VCF-style: chr2-217332770-G-A.
Other names: c.2244+1G>A (NM_001127207.2).
Identifiers: ClinVar variation 2006722 (VCV002006722.4), dbSNP rs2469036894, ClinGen allele CA350503315.

ClinVar aggregate classification (germline): Likely pathogenic (1 of 4 stars; one submission).

Conditions:
Schimke immuno-osseous dysplasia (SIOD). Also called: Schimke Immunoosseous Dysplasia. Identifiers: Orphanet 1830, MedGen C0877024, MONDO:0009458, OMIM 242900.

Submission:

Labcorp Genetics (formerly Invitae), Labcorp
Classification: Likely pathogenic for Schimke immuno-osseous dysplasia. Last evaluated: 2022-06-14. Review status: criteria provided, single submitter. Criteria: Invitae Variant Classification Sherloc (09022015). Collection method: clinical testing. Allele origin: germline.
Comment: In summary, the currently available evidence indicates that the variant is pathogenic, but additional data are needed to prove that conclusively. Therefore, this variant has been classified as Likely Pathogenic. Algorithms developed to predict the effect of sequence changes on RNA splicing suggest that this variant may disrupt the consensus splice site. This variant has not been reported in the literature in individuals affected with SMARCAL1-related conditions. This variant is not present in population databases (gnomAD no frequency). This sequence change affects a donor splice site in intron 14 of the SMARCAL1 gene. It is expected to disrupt RNA splicing. Variants that disrupt the donor or acceptor splice site typically lead to a loss of protein function (PMID: 16199547), and loss-of-function variants in SMARCAL1 are known to be pathogenic (PMID: 11799392, 20301550).

Literature cited by the submitters: PubMed 16199547; PubMed 11799392; PubMed 20301550.